The following is an entry in ClinVar:

NM_001197104.2(KMT2A):c.9026G>A (p.Ser3009Asn)

Gene: KMT2A (lysine methyltransferase 2A; plus strand). Cytogenetic location: 11q23.3.
Variant type: single nucleotide variant.
Coding change: c.9026G>A on transcript NM_001197104.2 (MANE Select); coding-DNA position 9026, G replaced by A.
Protein change: p.Ser3009Asn; replaces serine 3009 with asparagine.
Molecular consequence: missense variant.
Genome position (GRCh38, 1-based): chr11:118,504,918, G>A. VCF-style: chr11-118504918-G-A. GRCh37 (hg19) VCF-style: chr11-118375633-G-A.
Other names: c.9116G>A, p.Ser3039Asn (NM_001412597.1); c.9017G>A, p.Ser3006Asn (NM_005933.4); short protein forms S3006N, S3009N, S3039N.
Identifiers: ClinVar variation 4800569 (VCV004800569.1).

ClinVar aggregate classification (germline): Uncertain significance (1 of 4 stars; one submission).

Submission:

Labcorp Genetics (formerly Invitae), Labcorp
Classification: Uncertain significance. Last evaluated: 2025-10-06. Review status: criteria provided, single submitter. Criteria: Invitae Variant Classification Sherloc (09022015). Collection method: clinical testing. Allele origin: germline.
Comment: This sequence change replaces serine, which is neutral and polar, with asparagine, which is neutral and polar, at codon 3009 of the KMT2A protein (p.Ser3009Asn). This variant is not present in population databases (gnomAD no frequency). This variant has not been reported in the literature in individuals affected with KMT2A-related conditions. Invitae Evidence Modeling of protein sequence and biophysical properties (such as structural, functional, and spatial information, amino acid conservation, physicochemical variation, residue mobility, and thermodynamic stability) indicates that this missense variant is not expected to disrupt KMT2A protein function with a negative predictive value of 95%. In summary, the available evidence is currently insufficient to determine the role of this variant in disease. Therefore, it has been classified as a Variant of Uncertain Significance.